The following is an entry in ClinVar:

ClinVar aggregate classification (germline): Pathogenic (1 of 4 stars; one submission).

Submission:

Labcorp Genetics (formerly Invitae), Labcorp
Classification: Pathogenic. Last evaluated: 2022-11-22. Review status: criteria provided, single submitter. Criteria: Invitae Variant Classification Sherloc (09022015). Collection method: clinical testing. Allele origin: germline.
Comment: For these reasons, this variant has been classified as Pathogenic. This variant has not been reported in the literature in individuals affected with MCPH1-related conditions. This variant is a gross deletion of the genomic region encompassing exon(s) 2 of the MCPH1 gene. This deletion is out-of-frame, and is expected to create a premature termination codon and result in an absent or disrupted protein product. Loss-of-function variants in MCPH1 are known to be pathogenic (PMID: 20978018).

Literature cited by the submitters: PubMed 20978018.

NC_000008.10:g.(?_6266780)_(6266911_?)del

Gene: MCPH1 (microcephalin 1; plus strand). Cytogenetic location: 8p23.1.
Variant type: Deletion.
Identifiers: ClinVar variation 2426841 (VCV002426841.4).